The following is an entry in ClinVar:

ClinVar aggregate classification (germline): Uncertain significance (1 of 4 stars; one submission).

Conditions:
Combined oxidative phosphorylation defect type 17. Also called: Combined oxidative phosphorylation deficiency 17. Identifiers: Orphanet 369913, MedGen C3809526, MONDO:0014190, OMIM 615440.

Allele frequency attached by ClinVar (database versions not stated): gnomAD exomes 0.00001; TOPMed 0.00001; gnomAD 0.00002.
gnomAD v4.1: 13 of 1,547,146 alleles (0.00084%); highest among the groups gnomAD compares: African/African-American, 0.0041%; no homozygotes.

Submission:

Labcorp Genetics (formerly Invitae), Labcorp
Classification: Uncertain significance for Combined oxidative phosphorylation defect type 17. Last evaluated: 2022-05-11. Review status: criteria provided, single submitter. Criteria: Invitae Variant Classification Sherloc (09022015). Collection method: clinical testing. Allele origin: germline.
Comment: This sequence change replaces isoleucine, which is neutral and non-polar, with threonine, which is neutral and polar, at codon 22 of the ELAC2 protein (p.Ile22Thr). This variant is present in population databases (no rsID available, gnomAD 0.004%). This variant has not been reported in the literature in individuals affected with ELAC2-related conditions. Algorithms developed to predict the effect of missense changes on protein structure and function (SIFT, PolyPhen-2, Align-GVGD) all suggest that this variant is likely to be tolerated. In summary, the available evidence is currently insufficient to determine the role of this variant in disease. Therefore, it has been classified as a Variant of Uncertain Significance.

NM_018127.7(ELAC2):c.65T>C (p.Ile22Thr)

Gene: ELAC2 (elaC ribonuclease Z 2; minus strand). Cytogenetic location: 17p12.
Variant type: single nucleotide variant.
Coding change: c.65T>C on transcript NM_018127.7 (MANE Select); coding-DNA position 65, T replaced by C.
Protein change: p.Ile22Thr; replaces isoleucine 22 with threonine.
Molecular consequence: missense variant.
Genome position (GRCh38, 1-based): chr17:13,017,883, A>G on the plus strand (T>C on the coding strand, the complement: ELAC2 is on the minus strand). VCF-style: chr17-13017883-A-G. GRCh37 (hg19) VCF-style: chr17-12921200-A-G.
Other names: c.65T>C, p.Ile22Thr (NM_001165962.2, NM_173717.2); short protein forms I22T.
Identifiers: ClinVar variation 1447948 (VCV001447948.5), dbSNP rs934103595, ClinGen allele CA288067445.
Genomic context (GRCh38, chr17:13,017,883, plus strand): 5'-GTGCGCAGGTGCCGCAGCGGGTCCTTGCGCGGCCGCTCGCGGCGGGCGGGTGCCTGCGAT[A>G]TGGTGCGTCCCTGCGACATGGTGCGTCCGGCCGCGGACCGCAGCAGCGAGCAAAGCGCCC-3'
Protein context (NP_060597.4, residues 12-32): AGRTMSQGRT[Ile22Thr]SQAPARRERP